The following is an entry in ClinVar:

NM_020884.7(MYH7B):c.3596_3597delinsAT (p.Leu1199His)

Gene: MYH7B (myosin heavy chain 7B; plus strand). Cytogenetic location: 20q11.22.
Variant type: Indel.
Coding change: c.3596_3597delinsAT on transcript NM_020884.7 (MANE Select); coding-DNA positions 3596 to 3597, TG replaced by AT.
Protein change: p.Leu1199His; replaces leucine 1199 with histidine.
Molecular consequence: missense variant.
Genome position (GRCh38, 1-based): chr20:34,997,489-34,997,490, TG replaced by AT. VCF-style: chr20-34997489-TG-AT. GRCh37 (hg19) VCF-style: chr20-33585292-TG-AT.
Other names: short protein forms L1199H.
Identifiers: ClinVar variation 3662917 (VCV003662917.2).

ClinVar aggregate classification (germline): Uncertain significance (1 of 4 stars; one submission).

Submission:

Labcorp Genetics (formerly Invitae), Labcorp
Classification: Uncertain significance. Last evaluated: 2024-10-14. Review status: criteria provided, single submitter. Criteria: Invitae Variant Classification Sherloc (09022015). Collection method: clinical testing. Allele origin: germline.
Comment: This sequence change replaces leucine, which is neutral and non-polar, with histidine, which is basic and polar, at codon 1241 of the MYH7B protein (p.Leu1241His). Information on the frequency of this variant in the gnomAD database is not available, as this variant may be reported differently in the database. This variant has not been reported in the literature in individuals affected with MYH7B-related conditions. An algorithm developed to predict the effect of missense changes on protein structure and function (PolyPhen-2) suggests that this variant is likely to be disruptive. In summary, the available evidence is currently insufficient to determine the role of this variant in disease. Therefore, it has been classified as a Variant of Uncertain Significance.